The following is an entry in ClinVar:

ClinVar aggregate classification (germline): Uncertain significance (1 of 4 stars; one submission).

Submission:

Labcorp Genetics (formerly Invitae), Labcorp
Classification: Uncertain significance. Last evaluated: 2022-09-26. Review status: criteria provided, single submitter. Criteria: Invitae Variant Classification Sherloc (09022015). Collection method: clinical testing. Allele origin: germline.
Comment: This sequence change replaces lysine, which is basic and polar, with threonine, which is neutral and polar, at codon 47 of the MAPKAPK3 protein (p.Lys47Thr). This variant is not present in population databases (gnomAD no frequency). This variant has not been reported in the literature in individuals affected with MAPKAPK3-related conditions. Algorithms developed to predict the effect of missense changes on protein structure and function are either unavailable or do not agree on the potential impact of this missense change (SIFT: "Deleterious"; PolyPhen-2: "Benign"; Align-GVGD: "Class C65"). Algorithms developed to predict the effect of sequence changes on RNA splicing suggest that this variant may create or strengthen a splice site. In summary, the available evidence is currently insufficient to determine the role of this variant in disease. Therefore, it has been classified as a Variant of Uncertain Significance.

NM_001243925.2(MAPKAPK3):c.140A>C (p.Lys47Thr)

Gene: MAPKAPK3 (MAPK activated protein kinase 3; plus strand). Cytogenetic location: 3p21.2.
Variant type: single nucleotide variant.
Coding change: c.140A>C on transcript NM_001243925.2 (MANE Select); coding-DNA position 140, A replaced by C.
Protein change: p.Lys47Thr; replaces lysine 47 with threonine.
Molecular consequence: missense variant.
Genome position (GRCh38, 1-based): chr3:50,617,705, A>C. VCF-style: chr3-50617705-A-C. GRCh37 (hg19) VCF-style: chr3-50655136-A-C.
Other names: c.140A>C, p.Lys47Thr (NM_001243926.2, NM_004635.5); short protein forms K47T.
Identifiers: ClinVar variation 1720421 (VCV001720421.5), dbSNP rs2471665946, ClinGen allele CA352961551.